The following is an entry in ClinVar:

ClinVar aggregate classification (germline): Likely pathogenic (1 of 4 stars; one submission).

Conditions:
Dyskeratosis congenita, autosomal recessive 5 (DKCB5). Identifiers: MedGen C3554656, MONDO:0014076, OMIM 615190.
Pulmonary fibrosis and/or bone marrow failure, Telomere-related, 3. Also called: PULMONARY FIBROSIS AND/OR BONE MARROW FAILURE SYNDROME, TELOMERE-RELATED, 3. Identifiers: Orphanet 2032, MedGen C4225346, MONDO:0014613, OMIM 616373.

Submission:

Labcorp Genetics (formerly Invitae), Labcorp
Classification: Likely pathogenic for Dyskeratosis congenita, autosomal recessive 5; Pulmonary fibrosis and/or bone marrow failure, Telomere-related, 3. Last evaluated: 2020-02-10. Review status: criteria provided, single submitter. Criteria: Invitae Variant Classification Sherloc (09022015). Collection method: clinical testing. Allele origin: germline.
Comment: In summary, the currently available evidence indicates that the variant is pathogenic, but additional data are needed to prove that conclusively. Therefore, this variant has been classified as Likely Pathogenic. Donor and acceptor splice site variants typically lead to a loss of protein function (PMID: 16199547), and loss-of-function variants in RTEL1 are known to be pathogenic (PMID: 23453664, 23959892, 25607374). Algorithms developed to predict the effect of sequence changes on RNA splicing suggest that this variant may disrupt the consensus splice site, but this prediction has not been confirmed by published transcriptional studies. This variant has not been reported in the literature in individuals with RTEL1-related conditions. This variant is not present in population databases (ExAC no frequency). This sequence change affects a donor splice site in intron 32 of the RTEL1 gene. It is expected to disrupt RNA splicing and likely results in an absent or disrupted protein product.

Literature cited by the submitters: PubMed 16199547; PubMed 23453664; PubMed 23959892; PubMed 25607374.

NM_001283009.2(RTEL1):c.3343+1G>C

Genes: RTEL1 (regulator of telomere elongation helicase 1; plus strand), RTEL1-TNFRSF6B (RTEL1-TNFRSF6B readthrough (NMD candidate); plus strand). Cytogenetic location: 20q13.33.
Variant type: single nucleotide variant.
Coding change: c.3343+1G>C on transcript NM_001283009.2 (MANE Select); the canonical splice donor site of the intron after coding-DNA position 3343, G replaced by C.
Molecular consequence: splice donor variant.
Genome position (GRCh38, 1-based): chr20:63,694,975, G>C. VCF-style: chr20-63694975-G-C. GRCh37 (hg19) VCF-style: chr20-62326328-G-C.
Other names: c.2674+1G>C (NM_001283010.1); c.3415+1G>C (NM_032957.5); c.3343+1G>C (NM_016434.4).
Identifiers: ClinVar variation 1066646 (VCV001066646.14), dbSNP rs2145476311, ClinGen allele CA409685223.